The following is an entry in ClinVar:

NM_006361.6(HOXB13):c.602-7C>A

Gene: HOXB13 (homeobox B13; minus strand). Cytogenetic location: 17q21.32.
Variant type: single nucleotide variant.
Coding change: c.602-7C>A on transcript NM_006361.6 (MANE Select); 7 bases into the intron before coding-DNA position 602, C replaced by A.
Molecular consequence: intron variant.
Genome position (GRCh38, 1-based): chr17:48,727,050, G>T on the plus strand (C>A on the coding strand, the complement: HOXB13 is on the minus strand). VCF-style: chr17-48727050-G-T. GRCh37 (hg19) VCF-style: chr17-46804412-G-T.
Identifiers: ClinVar variation 861092 (VCV000861092.16), dbSNP rs370167148, ClinGen allele CA8633942.

ClinVar aggregate classification (germline): Conflicting classifications of pathogenicity. Review status: criteria provided, conflicting classifications (1 of 4 stars). 4 submissions from 4 submitters: Uncertain significance (2); Likely benign (1). 1 of the submissions does not count toward it. Last evaluated 2026-01-26.

Allele frequency attached by ClinVar (database versions not stated): gnomAD 0.00004 and 0.00005; TOPMed 0.00005; ESP Exome Variant Server 0.00008.

Submissions (4):

Labcorp Genetics (formerly Invitae), Labcorp
Classification: Likely benign. Last evaluated: 2026-01-26. Review status: criteria provided, single submitter. Criteria: Invitae Variant Classification Sherloc (09022015). Collection method: clinical testing. Allele origin: germline.

Quest Diagnostics Nichols Institute San Juan Capistrano
Classification: Uncertain significance. Last evaluated: 2024-12-29. Review status: criteria provided, single submitter. Criteria: Quest Diagnostics criteria. Collection method: clinical testing. Allele origin: unknown.
Comment: The HOXB13 c.602-7C>A variant has not been reported in individuals with HOXB13-related conditions in the published literature. The frequency of this variant in the general population (Genome Aggregation Database) is higher than would generally be expected for pathogenic variants in this gene. Analysis of this variant using software algorithms for the prediction of the effect of nucleotide changes on splicing yielded predictions that this variant may affect proper HOXB13 mRNA splicing. Based on the available information, we are unable to determine the clinical significance of this variant.

GeneDx
Classification: Uncertain significance. Last evaluated: 2023-06-05. Review status: criteria provided, single submitter. Criteria: GeneDx Variant Classification Process June 2021. Collection method: clinical testing. Allele origin: germline. Affected: yes.
Comment: Has not been previously published as pathogenic or benign to our knowledge; In silico analysis supports a deleterious effect on splicing

Genetic Services Laboratory, University of Chicago
Classification: Uncertain significance. Last evaluated: 2022-05-18. Review status: no assertion criteria provided. Collection method: clinical testing. Allele origin: germline. Affected: no. Not counted in ClinVar's aggregate classification.
Comment: DNA sequence analysis of the HOXB13 gene demonstrated a sequence change in intron 1, c.602-7C>A. This sequence change has been described in the gnomAD database with a frequency of 0.090% in the Ashkenazi Jewish subpopulation (dbSNP rs370167148). This change does not appear to have been previously described in individuals with HOXB13-related cancers. Based on in-silico splice prediction programs, this sequence change appears to affect normal splicing of the HOXB13 gene, which would result in an abnormal protein, however functional studies have not been performed to prove this conclusively. The functional significance of this sequence change is not known at present and its contribution to this individual's disease phenotype cannot definitively be determined.